The following is an entry in ClinVar:

NM_001376.5(DYNC1H1):c.7262C>T (p.Thr2421Met)

Gene: DYNC1H1 (dynein cytoplasmic 1 heavy chain 1; plus strand). Cytogenetic location: 14q32.31.
Variant type: single nucleotide variant.
Coding change: c.7262C>T on transcript NM_001376.5 (MANE Select); coding-DNA position 7262, C replaced by T.
Protein change: p.Thr2421Met; replaces threonine 2421 with methionine.
Molecular consequence: missense variant.
Genome position (GRCh38, 1-based): chr14:102,015,875, C>T. VCF-style: chr14-102015875-C-T. GRCh37 (hg19) VCF-style: chr14-102482212-C-T.
Other names: c.7262C>T (NM_001376.4); short protein forms T2421M.
Identifiers: ClinVar variation 1471885 (VCV001471885.9), dbSNP rs770803375, ClinGen allele CA7352783.
Genomic context (GRCh38, chr14:102,015,875, plus strand): 5'-CTTTTGAAAGATAGTTAAGTATCACTCCTTCCACTTTCTAGATCCAAAGAGATGCAGCTA[C>T]GATCATGCAACCGTACTTCACGTCCAACGGCCTGGTCACCAAGGCGCTAGAGCACGCCTT-3'
Protein context (NP_001367.2, residues 2411-2431): PMLQIQRDAA[Thr2421Met]IMQPYFTSNG

ClinVar aggregate classification (germline): Conflicting classifications of pathogenicity. Review status: criteria provided, conflicting classifications (1 of 4 stars). 3 submissions from 3 submitters: Uncertain significance (2); Likely benign (1). Last evaluated 2025-05-26.

Conditions:
Inborn genetic diseases. Identifiers: MedGen C0950123, MeSH D030342.
Charcot-Marie-Tooth disease axonal type 2O. Also called: Charcot-Marie-Tooth disease, axonal, type 20; CHARCOT-MARIE-TOOTH NEUROPATHY, AXONAL, TYPE 2O; CHARCOT-MARIE-TOOTH DISEASE, AXONAL, AUTOSOMAL DOMINANT, TYPE 2O; Charcot-Marie-Tooth Neuropathy Type 2O. Identifiers: Orphanet 284232, MedGen C3280220, MONDO:0013644, OMIM 614228.
Cortical dysplasia, complex, with other brain malformations 13. Also called: Intellectual disability, autosomal dominant 13. Identifiers: MedGen C3281202, MONDO:0013805, OMIM 614563.

Allele frequency attached by ClinVar (database versions not stated): gnomAD exomes 0.00001 and below 0.00001; ExAC 0.00002.
gnomAD v4.1: 7 of 1,614,218 alleles (0.00043%); highest among the groups gnomAD compares: Admixed American, 0.0033%; no homozygotes.

Submissions (3):

Labcorp Genetics (formerly Invitae), Labcorp
Classification: Likely benign for Charcot-Marie-Tooth disease axonal type 2O. Last evaluated: 2025-05-26. Review status: criteria provided, single submitter. Criteria: Invitae Variant Classification Sherloc (09022015). Collection method: clinical testing. Allele origin: germline.

New York Genome Center
Classification: Uncertain significance for Cortical dysplasia, complex, with other brain malformations 13. Last evaluated: 2021-08-20. Review status: criteria provided, single submitter. Criteria: NYGC Assertion Criteria 2020. Collection method: clinical testing. Allele origin: germline. Observed: 1 heterozygote. Study: CSER-NYCKidSeq.

Ambry Genetics
Classification: Uncertain significance for Inborn genetic diseases. Last evaluated: 2017-08-03. Review status: criteria provided, single submitter. Criteria: Ambry Variant Classification Scheme 2023. Collection method: clinical testing. Allele origin: germline.
Comment: The p.T2421M variant (also known as c.7262C>T), located in coding exon 36 of the DYNC1H1 gene, results from a C to T substitution at nucleotide position 7262. The threonine at codon 2421 is replaced by methionine, an amino acid with similar properties. This amino acid position is highly conserved through mammals but not in all available vertebrate species. In addition, this alteration is predicted to be tolerated by in silico analysis. Since supporting evidence is limited at this time, the clinical significance of this alteration remains unclear.